The following is an entry in ClinVar:

NM_016239.4(MYO15A):c.8750T>C (p.Val2917Ala)

Gene: MYO15A (myosin XVA; plus strand). Cytogenetic location: 17p11.2.
Variant type: single nucleotide variant.
Coding change: c.8750T>C on transcript NM_016239.4 (MANE Select); coding-DNA position 8750, T replaced by C.
Protein change: p.Val2917Ala; replaces valine 2917 with alanine.
Molecular consequence: missense variant.
Genome position (GRCh38, 1-based): chr17:18,157,192, T>C. VCF-style: chr17-18157192-T-C. GRCh37 (hg19) VCF-style: chr17-18060506-T-C.
Other names: short protein forms V2917A.
Identifiers: ClinVar variation 1966806 (VCV001966806.5), dbSNP rs1395158442, ClinGen allele CA398629888.

ClinVar aggregate classification (germline): Uncertain significance (1 of 4 stars; one submission).

Allele frequency attached by ClinVar (database versions not stated): TOPMed below 0.00001.
gnomAD v4.1: 2 of 1,610,582 alleles (0.00012%); highest among the groups gnomAD compares: East Asian, 0.0045%; no homozygotes.

Submission:

Labcorp Genetics (formerly Invitae), Labcorp
Classification: Uncertain significance. Last evaluated: 2022-08-10. Review status: criteria provided, single submitter. Criteria: Invitae Variant Classification Sherloc (09022015). Collection method: clinical testing. Allele origin: germline.
Comment: This variant has not been reported in the literature in individuals affected with MYO15A-related conditions. In summary, the available evidence is currently insufficient to determine the role of this variant in disease. Therefore, it has been classified as a Variant of Uncertain Significance. Advanced modeling of protein sequence and biophysical properties (such as structural, functional, and spatial information, amino acid conservation, physicochemical variation, residue mobility, and thermodynamic stability) performed at Invitae indicates that this missense variant is not expected to disrupt MYO15A protein function. This variant is not present in population databases (gnomAD no frequency). This sequence change replaces valine, which is neutral and non-polar, with alanine, which is neutral and non-polar, at codon 2917 of the MYO15A protein (p.Val2917Ala).